The following is an entry in ClinVar:

ClinVar aggregate classification (germline): Uncertain significance (1 of 4 stars; one submission).

Submission:

Labcorp Genetics (formerly Invitae), Labcorp
Classification: Uncertain significance. Last evaluated: 2024-05-07. Review status: criteria provided, single submitter. Criteria: Invitae Variant Classification Sherloc (09022015). Collection method: clinical testing. Allele origin: germline.
Comment: This sequence change replaces lysine, which is basic and polar, with arginine, which is basic and polar, at codon 110 of the MS4A1 protein (p.Lys110Arg). This variant is not present in population databases (gnomAD no frequency). This variant has not been reported in the literature in individuals affected with MS4A1-related conditions. An algorithm developed to predict the effect of missense changes on protein structure and function (PolyPhen-2) suggests that this variant is likely to be tolerated. In summary, the available evidence is currently insufficient to determine the role of this variant in disease. Therefore, it has been classified as a Variant of Uncertain Significance.

NM_152866.3(MS4A1):c.329A>G (p.Lys110Arg)

Gene: MS4A1 (membrane spanning 4-domains A1; plus strand). Cytogenetic location: 11q12.2.
Variant type: single nucleotide variant.
Coding change: c.329A>G on transcript NM_152866.3 (MANE Select); coding-DNA position 329, A replaced by G.
Protein change: p.Lys110Arg; replaces lysine 110 with arginine.
Molecular consequence: missense variant.
Genome position (GRCh38, 1-based): chr11:60,464,337, A>G. VCF-style: chr11-60464337-A-G. GRCh37 (hg19) VCF-style: chr11-60231810-A-G.
Other names: c.329A>G, p.Lys110Arg (NM_021950.4, NM_152867.2); short protein forms K110R.
Identifiers: ClinVar variation 3652540 (VCV003652540.2).